The following is an entry in ClinVar:

ClinVar aggregate classification (germline): Uncertain significance. Review status: criteria provided, multiple submitters, no conflicts (2 of 4 stars). 2 submissions from 2 submitters: Uncertain significance (2). Last evaluated 2024-04-12.

Conditions:
Inborn genetic diseases. Identifiers: MedGen C0950123, MeSH D030342.

Allele frequency attached by ClinVar (database versions not stated): TOPMed 0.00001.

Submissions (2):

Ambry Genetics
Classification: Uncertain significance for Inborn genetic diseases. Last evaluated: 2024-04-12. Review status: criteria provided, single submitter. Criteria: Ambry Variant Classification Scheme 2023. Collection method: clinical testing. Allele origin: germline.

Labcorp Genetics (formerly Invitae), Labcorp
Classification: Uncertain significance. Last evaluated: 2023-10-10. Review status: criteria provided, single submitter. Criteria: Invitae Variant Classification Sherloc (09022015). Collection method: clinical testing. Allele origin: germline.
Comment: This sequence change replaces threonine, which is neutral and polar, with asparagine, which is neutral and polar, at codon 1578 of the MACF1 protein (p.Thr1578Asn). This variant is not present in population databases (gnomAD no frequency). This variant has not been reported in the literature in individuals affected with MACF1-related conditions. An algorithm developed to predict the effect of missense changes on protein structure and function (PolyPhen-2) suggests that this variant is likely to be tolerated. In summary, the available evidence is currently insufficient to determine the role of this variant in disease. Therefore, it has been classified as a Variant of Uncertain Significance.

NM_001394062.1(MACF1):c.10919C>A (p.Thr3640Asn)

Gene: MACF1 (microtubule actin crosslinking factor 1; plus strand). Cytogenetic location: 1p34.3.
Variant type: single nucleotide variant.
Coding change: c.10919C>A on transcript NM_001394062.1 (MANE Select); coding-DNA position 10919, C replaced by A.
Protein change: p.Thr3640Asn; replaces threonine 3640 with asparagine.
Molecular consequence: missense variant.
Genome position (GRCh38, 1-based): chr1:39,349,581, C>A. VCF-style: chr1-39349581-C-A. GRCh37 (hg19) VCF-style: chr1-39815253-C-A.
Other names: c.4733C>A (NM_012090.4); c.4733C>A, p.Thr1578Asn (NM_012090.5); short protein forms T3640N, T1578N.
Identifiers: ClinVar variation 2899598 (VCV002899598.4), dbSNP rs1647131724, ClinGen allele CA339812848.